The following is an entry in ClinVar:

NM_002968.3(SALL1):c.2331C>T (p.Asn777=)

Gene: SALL1 (spalt like transcription factor 1; minus strand). Cytogenetic location: 16q12.1.
Variant type: single nucleotide variant.
Coding change: c.2331C>T on transcript NM_002968.3 (MANE Select); coding-DNA position 2331, C replaced by T.
Protein change: p.Asn777=; no amino-acid change (asparagine 777 retained).
Molecular consequence: synonymous variant.
Genome position (GRCh38, 1-based): chr16:51,139,891, G>A on the plus strand (C>T on the coding strand, the complement: SALL1 is on the minus strand). VCF-style: chr16-51139891-G-A. GRCh37 (hg19) VCF-style: chr16-51173802-G-A.
Other names: p.Asn777=; c.2040C>T, p.Asn680= (NM_001127892.2).
Identifiers: ClinVar variation 1266977 (VCV001266977.13), dbSNP rs144747142, ClinGen allele CA8053126.

ClinVar aggregate classification (germline): Benign/Likely benign. Review status: criteria provided, multiple submitters, no conflicts (2 of 4 stars). 5 submissions from 5 submitters: Benign (2); Likely benign (3). Last evaluated 2026-02-01.

Conditions:
Townes syndrome (TBS). Also called: Townes-Brocks syndrome. Identifiers: Orphanet 857, MedGen C0265246, MeSH C536974, MONDO:0007142.
Townes-Brocks syndrome 1 (TBS1). Also called: REAR SYNDROME; RENAL-EAR-ANAL-RADIAL SYNDROME; SALL1-Related Townes-Brocks Syndrome; DEAFNESS, SENSORINEURAL, WITH IMPERFORATE ANUS AND THUMB ANOMALIES. Identifiers: Orphanet 857, MedGen C4551481, MONDO:0054581, OMIM 107480.

Allele frequency attached by ClinVar (database versions not stated): ESP Exome Variant Server 0.00023; gnomAD exomes 0.00028 and 0.00043; ExAC 0.00033; gnomAD 0.00045 and 0.00047; TOPMed 0.00053; 1000 Genomes Project 30x 0.00078; 1000 Genomes Project 0.00100.

Submissions (5):

Labcorp Genetics (formerly Invitae), Labcorp
Classification: Benign for Townes syndrome. Last evaluated: 2026-02-01. Review status: criteria provided, single submitter. Criteria: Invitae Variant Classification Sherloc (09022015). Collection method: clinical testing. Allele origin: germline.

Mayo Clinic Laboratories, Mayo Clinic
Classification: Likely benign. Last evaluated: 2025-07-25. Review status: criteria provided, single submitter. Criteria: ACMG Guidelines, 2015. Collection method: clinical testing. Allele origin: germline. Observed: 1 variant allele.
Comment: BP4, BP7

Blueprint Genetics
Classification: Likely benign. Last evaluated: 2024-09-13. Review status: criteria provided, single submitter. Criteria: ACMG Guidelines, 2015. Collection method: clinical testing. Allele origin: germline.

Fulgent Genetics
Classification: Likely benign for Townes-Brocks syndrome 1. Last evaluated: 2021-10-19. Review status: criteria provided, single submitter. Criteria: ACMG Guidelines, 2015. Collection method: clinical testing. Allele origin: unknown.

GeneDx
Classification: Benign. Last evaluated: 2020-02-25. Review status: criteria provided, single submitter. Criteria: GeneDx Variant Classification Process June 2021. Collection method: clinical testing. Allele origin: germline. Affected: yes.